The following is an entry in ClinVar:

NM_004329.3(BMPR1A):c.533A>G (p.His178Arg)

Gene: BMPR1A (bone morphogenetic protein receptor type 1A; plus strand). Cytogenetic location: 10q23.2.
Variant type: single nucleotide variant.
Coding change: c.533A>G on transcript NM_004329.3 (MANE Select); coding-DNA position 533, A replaced by G.
Protein change: p.His178Arg; replaces histidine 178 with arginine.
Molecular consequence: missense variant.
Genome position (GRCh38, 1-based): chr10:86,912,242, A>G. VCF-style: chr10-86912242-A-G. GRCh37 (hg19) VCF-style: chr10-88671999-A-G.
Other names: c.608A>G, p.His203Arg (NM_001406559.1); c.581A>G, p.His194Arg (NM_001406560.1); c.533A>G, p.His178Arg (NM_001406561.1, NM_001406562.1, NM_001406563.1 and 20 more transcripts); c.449A>G, p.His150Arg (NM_001406584.1, NM_001406585.1, NM_001406586.1 and 2 more transcripts); short protein forms H178R, H194R, H150R, H203R.
Identifiers: ClinVar variation 2198043 (VCV002198043.5), dbSNP rs1843500791, ClinGen allele CA377454020.
Genomic context (GRCh38, chr10:86,912,242, plus strand): 5'-TCTTAGGGTTTTATAGTTTTTCATTTTTAATGTAGATTGTTTTCTGCTTTTTTAAAAGAC[A>G]TTATTGCAAGAGCATCTCAAGCAGACGTCGTTACAATCGTGATTTGGAACAGGATGAAGC-3'
Protein context (NP_004320.2, residues 168-188): IIFSSCFCYK[His178Arg]YCKSISSRRR

ClinVar aggregate classification (germline): Uncertain significance. Review status: criteria provided, multiple submitters, no conflicts (2 of 4 stars). 2 submissions from 2 submitters: Uncertain significance (2). Last evaluated 2025-11-05.

Conditions:
Juvenile polyposis syndrome (JPS). Identifiers: Orphanet 2929, MedGen C0345893, MONDO:0017380, OMIM 174900.
Hereditary cancer-predisposing syndrome. Also called: Neoplastic Syndromes, Hereditary; Tumor predisposition; Hereditary neoplastic syndrome; Hereditary Cancer Syndrome. Identifiers: Orphanet 140162, MedGen C0027672, MeSH D009386, MONDO:0015356.

Allele frequency attached by ClinVar (database versions not stated): gnomAD exomes below 0.00001; gnomAD 0.00001.
gnomAD v4.1: 2 of 1,613,142 alleles (0.00012%); highest among the groups gnomAD compares: South Asian, 0.0011%; no homozygotes.

Submissions (2):

Ambry Genetics
Classification: Uncertain significance for Hereditary cancer-predisposing syndrome. Last evaluated: 2025-11-05. Review status: criteria provided, single submitter. Criteria: Ambry Variant Classification Scheme 2023. Collection method: clinical testing. Allele origin: germline.
Comment: The p.H178R variant (also known as c.533A>G), located in coding exon 6 of the BMPR1A gene, results from an A to G substitution at nucleotide position 533. The histidine at codon 178 is replaced by arginine, an amino acid with highly similar properties. This amino acid position is conserved. In addition, the in silico prediction for this alteration is inconclusive. Based on the available evidence, the clinical significance of this variant remains unclear.

Labcorp Genetics (formerly Invitae), Labcorp
Classification: Uncertain significance for Juvenile polyposis syndrome. Last evaluated: 2022-08-13. Review status: criteria provided, single submitter. Criteria: Invitae Variant Classification Sherloc (09022015). Collection method: clinical testing. Allele origin: germline.
Comment: In summary, the available evidence is currently insufficient to determine the role of this variant in disease. Therefore, it has been classified as a Variant of Uncertain Significance. Algorithms developed to predict the effect of missense changes on protein structure and function (SIFT, PolyPhen-2, Align-GVGD) all suggest that this variant is likely to be tolerated. This variant has not been reported in the literature in individuals affected with BMPR1A-related conditions. This variant is not present in population databases (gnomAD no frequency). This sequence change replaces histidine, which is basic and polar, with arginine, which is basic and polar, at codon 178 of the BMPR1A protein (p.His178Arg).